The following is an entry in ClinVar:

ClinVar aggregate classification (germline): Uncertain significance. Review status: criteria provided, multiple submitters, no conflicts (2 of 4 stars). 2 submissions from 2 submitters: Uncertain significance (2). Last evaluated 2025-08-22.

Conditions:
Hereditary cancer-predisposing syndrome. Also called: Neoplastic Syndromes, Hereditary; Tumor predisposition; Hereditary Cancer Syndrome; Hereditary neoplastic syndrome. Identifiers: Orphanet 140162, MedGen C0027672, MeSH D009386, MONDO:0015356.

Allele frequency attached by ClinVar (database versions not stated): gnomAD 0.00001.
gnomAD v4.1: 1 of 1,614,042 alleles (0.000062%); highest among the groups gnomAD compares: Non-Finnish European, 0.000085%; no homozygotes.

Submissions (2):

Ambry Genetics
Classification: Uncertain significance for Hereditary cancer-predisposing syndrome. Last evaluated: 2025-08-22. Review status: criteria provided, single submitter. Criteria: Ambry Variant Classification Scheme 2023. Collection method: clinical testing. Allele origin: germline.
Comment: The p.P116H variant (also known as c.347C>A), located in coding exon 3 of the SMARCB1 gene, results from a C to A substitution at nucleotide position 347. The proline at codon 116 is replaced by histidine, an amino acid with similar properties. This variant has been detected in multiple individuals with no reported features of SMARCB1-associated Coffin-Siris syndrome (Ambry internal data). This amino acid position is highly conserved in available vertebrate species. In addition, this alteration is predicted to be deleterious by in silico analysis. Missense and in-frame variants in SMARCB1 are known to cause neurodevelopmental disorders; however, such associations with rhabdoid tumor predisposition syndrome are exceedingly rare (Kosho T et al. Am J Med Genet C Semin Med Genet. 2014 Sep;166C(3):262-75; Eaton KW et al. Pediatr Blood Cancer. 2011 Jan;56(1):7-15). Based on the supporting evidence, the association of this alteration with SMARCB1-related tumor predisposition syndrome is unknown; however, the association of this alteration with Coffin-Siris syndrome is unlikely.

Labcorp Genetics (formerly Invitae), Labcorp
Classification: Uncertain significance. Last evaluated: 2023-11-20. Review status: criteria provided, single submitter. Criteria: Invitae Variant Classification Sherloc (09022015). Collection method: clinical testing. Allele origin: germline.
Comment: This sequence change replaces proline, which is neutral and non-polar, with histidine, which is basic and polar, at codon 116 of the SMARCB1 protein (p.Pro116His). This variant is not present in population databases (gnomAD no frequency). This variant has not been reported in the literature in individuals affected with SMARCB1-related conditions. ClinVar contains an entry for this variant (Variation ID: 1731824). Advanced modeling of protein sequence and biophysical properties (such as structural, functional, and spatial information, amino acid conservation, physicochemical variation, residue mobility, and thermodynamic stability) performed at Invitae indicates that this missense variant is not expected to disrupt SMARCB1 protein function with a negative predictive value of 80%. In summary, the available evidence is currently insufficient to determine the role of this variant in disease. Therefore, it has been classified as a Variant of Uncertain Significance.

NM_003073.5(SMARCB1):c.347C>A (p.Pro116His)

Gene: SMARCB1 (SWI/SNF related BAF chromatin remodeling complex subunit B1; plus strand). Cytogenetic location: 22q11.23.
Variant type: single nucleotide variant.
Coding change: c.347C>A on transcript NM_003073.5 (MANE Select); coding-DNA position 347, C replaced by A.
Protein change: p.Pro116His; replaces proline 116 with histidine.
Molecular consequence: missense variant.
Genome position (GRCh38, 1-based): chr22:23,793,673, C>A. VCF-style: chr22-23793673-C-A. GRCh37 (hg19) VCF-style: chr22-24135860-C-A.
Other names: c.347C>A, p.Pro116His (NM_001362877.2); c.320C>A, p.Pro107His (NM_001007468.3, NM_001317946.2); short protein forms P107H, P116H.
Identifiers: ClinVar variation 1731824 (VCV001731824.6), dbSNP rs1928548399, ClinGen allele CA410934064.